The following is an entry in ClinVar:

NM_001277115.2(DNAH11):c.7186G>A (p.Asp2396Asn)

Gene: DNAH11 (dynein axonemal heavy chain 11; plus strand). Cytogenetic location: 7p15.3.
Variant type: single nucleotide variant.
Coding change: c.7186G>A on transcript NM_001277115.2 (MANE Select); coding-DNA position 7186, G replaced by A.
Protein change: p.Asp2396Asn; replaces aspartic acid 2396 with asparagine.
Molecular consequence: missense variant.
Genome position (GRCh38, 1-based): chr7:21,720,776, G>A. VCF-style: chr7-21720776-G-A. GRCh37 (hg19) VCF-style: chr7-21760394-G-A.
Other names: c.7207G>A, p.Asp2403Asn (NM_003777.3); short protein forms D2403N, D2396N.
Identifiers: ClinVar variation 1757564 (VCV001757564.5), dbSNP rs1267150542, ClinGen allele CA366943791.
Genomic context (GRCh38, chr7:21,720,776, plus strand): 5'-TTTCTTTAGACTCTATGTGTTCTTTTGGAGTGCTTGCTGACTCCTGAAAATGTACCTTCT[G>A]ACAGCCCAAAAGAAGTTTATGAAGTCTATTTTGTATTTGCTTGTATCTGGGCTTTTGGAG-3'
Protein context (NP_001264044.1, residues 2386-2406): CLLTPENVPS[Asp2396Asn]SPKEVYEVYF

ClinVar aggregate classification (germline): Conflicting classifications of pathogenicity. Review status: criteria provided, conflicting classifications (1 of 4 stars). 2 submissions from 2 submitters: Uncertain significance (1); Likely benign (1). Last evaluated 2023-10-08.

Conditions:
Primary ciliary dyskinesia. Also called: Ciliary dyskinesia. Identifiers: Orphanet 244, MedGen C0008780, MONDO:0016575, HP:0012265.

Allele frequency attached by ClinVar (database versions not stated): gnomAD exomes 0.00001; TOPMed 0.00001; gnomAD 0.00003.
gnomAD v4.1: 25 of 1,603,074 alleles (0.0016%); highest among the groups gnomAD compares: Non-Finnish European, 0.002%; no homozygotes.

Submissions (2):

Labcorp Genetics (formerly Invitae), Labcorp
Classification: Likely benign for Primary ciliary dyskinesia. Last evaluated: 2023-10-08. Review status: criteria provided, single submitter. Criteria: Invitae Variant Classification Sherloc (09022015). Collection method: clinical testing. Allele origin: germline.

Ambry Genetics
Classification: Uncertain significance for Primary ciliary dyskinesia. Last evaluated: 2021-09-26. Review status: criteria provided, single submitter. Criteria: Ambry Variant Classification Scheme 2023. Collection method: clinical testing. Allele origin: germline.
Comment: The p.D2396N variant (also known as c.7186G>A), located in coding exon 44 of the DNAH11 gene, results from a G to A substitution at nucleotide position 7186. The aspartic acid at codon 2396 is replaced by asparagine, an amino acid with highly similar properties. This amino acid position is conserved. In addition, this alteration is predicted to be tolerated by in silico analysis. Since supporting evidence is limited at this time, the clinical significance of this alteration remains unclear.